The following is an entry in ClinVar:

NM_000059.4(BRCA2):c.8774A>G (p.Gln2925Arg)

Gene: BRCA2 (BRCA2 DNA repair associated; plus strand). Cytogenetic location: 13q13.1.
Variant type: single nucleotide variant.
Coding change: c.8774A>G on transcript NM_000059.4 (MANE Select); coding-DNA position 8774, A replaced by G.
Protein change: p.Gln2925Arg; replaces glutamine 2925 with arginine.
Molecular consequence: missense variant.
Genome position (GRCh38, 1-based): chr13:32,379,336, A>G. VCF-style: chr13-32379336-A-G. GRCh37 (hg19) VCF-style: chr13-32953473-A-G.
Other names: short protein forms Q2925R.
Identifiers: ClinVar variation 52677 (VCV000052677.25), dbSNP rs80359135, ClinGen allele CA025823.
Genomic context (GRCh38, chr13:32,379,336, plus strand): 5'-GTTCTGATTGCTTTTTATTCCAATATCTTAAATGGTCACAGGGTTATTTCAGTGAAGAGC[A>G]GTTAAGAGCCTTGAATAATCACAGGCAAATGTTGAATGATAAGAAACAAGCTCAGATCCA-3'
Protein context (NP_000050.3, residues 2915-2935): AYLEGYFSEE[Gln2925Arg]LRALNNHRQM

ClinVar aggregate classification (germline): Uncertain significance. Review status: criteria provided, multiple submitters, no conflicts (2 of 4 stars). 9 submissions from 9 submitters: Uncertain significance (8). 1 of the submissions does not count toward it. Last evaluated 2026-05-28.

Conditions:
BRCA2-related cancer predisposition. Identifiers: MedGen CN377758, MONDO:0700269.
Hereditary cancer-predisposing syndrome. Also called: Hereditary Cancer Syndrome; Neoplastic Syndromes, Hereditary; Hereditary neoplastic syndrome; Tumor predisposition. Identifiers: Orphanet 140162, MedGen C0027672, MeSH D009386, MONDO:0015356.
Hereditary breast ovarian cancer syndrome. Also called: Breast and ovarian cancer; Hereditary breast and ovarian cancer syndrome; Hereditary breast and ovarian cancer syndrome (HBOC); BRCA1- and BRCA2-Associated Hereditary Breast and Ovarian Cancer; Hereditary breast and ovarian cancer; Hereditary breast and/or ovarian cancer syndrome. Identifiers: Orphanet 145, MedGen C0677776, MeSH D061325, MONDO:0003582. Disease mechanism: loss of function.
Breast-ovarian cancer, familial, susceptibility to, 2 (BROVCA2). Also called: BRCA2 Hereditary Breast and Ovarian Cancer. Identifiers: Orphanet 145, MedGen C2675520, MONDO:0012933, OMIM 612555. Disease mechanism: loss of function.

Allele frequency attached by ClinVar (database versions not stated): gnomAD exomes below 0.00001 and 0.00001; TOPMed below 0.00001.
gnomAD v4.1: 3 of 1,613,808 alleles (0.00019%); highest among the groups gnomAD compares: African/African-American, 0.0013%; no homozygotes.

Submissions (9):

Hema, HEMA – Genetic and Molecular Diagnostic Laboratory
Classification: Uncertain significance for BRCA2-related cancer predisposition. Last evaluated: 2026-05-28. Review status: criteria provided, single submitter. Criteria: HEMA Variant Classification Assertion Criteria. Collection method: clinical testing. Allele origin: germline.
Comment: The c.8774A>G p.(Gln2925Arg) variant is a transition from adenine to guanine, resulting in the substitution of glutamine 2925 by arginine. BP4: Variant in a functional domain of BRCA2 for which computational predictors predict that the variant would not affect protein function (BayesDel_noAF score = 0.040 ≤ 0.18) or splicing (SpliceAI score = 0.02 ≤ 0.10).

Labcorp Genetics (formerly Invitae), Labcorp
Classification: Uncertain significance for Hereditary breast ovarian cancer syndrome. Last evaluated: 2025-08-15. Review status: criteria provided, single submitter. Criteria: Invitae Variant Classification Sherloc (09022015). Collection method: clinical testing. Allele origin: germline.
Comment: This sequence change replaces glutamine, which is neutral and polar, with arginine, which is basic and polar, at codon 2925 of the BRCA2 protein (p.Gln2925Arg). This variant is present in population databases (rs80359135, gnomAD 0.007%). This missense change has been observed in individual(s) with breast cancer (PMID: 29409476). ClinVar contains an entry for this variant (Variation ID: 52677). Invitae Evidence Modeling of protein sequence and biophysical properties (such as structural, functional, and spatial information, amino acid conservation, physicochemical variation, residue mobility, and thermodynamic stability) indicates that this missense variant is not expected to disrupt BRCA2 protein function with a negative predictive value of 95%. Experimental studies are conflicting or provide insufficient evidence to determine the effect of this variant on BRCA2 function (PMID: 29394989). In summary, the available evidence is currently insufficient to determine the role of this variant in disease. Therefore, it has been classified as a Variant of Uncertain Significance.

Ambry Genetics
Classification: Uncertain significance for Hereditary cancer-predisposing syndrome. Last evaluated: 2025-07-03. Review status: criteria provided, single submitter. Criteria: Ambry Variant Classification Scheme 2023. Collection method: clinical testing. Allele origin: germline.
Comment: The p.Q2925R variant (also known as c.8774A>G), located in coding exon 21 of the BRCA2 gene, results from an A to G substitution at nucleotide position 8774. The glutamine at codon 2925 is replaced by arginine, an amino acid with highly similar properties. A homology-directed DNA repair (HDR) assay demonstrated p.Q2925R to have intermediate functionality, with a probability of pathogenicity of 0.091 and a probability of neutrality of 0.909 (Guidugli L et al. Am. J. Hum. Genet. 2018 02;102:233-248; Hart SN et al. Genet. Med. 2019 01;21:71-80). This amino acid position is highly conserved in available vertebrate species. In addition, the in silico prediction for this alteration is inconclusive. Based on the available evidence, the clinical significance of this variant remains unclear.

Women's Health and Genetics/Laboratory Corporation of America, LabCorp
Classification: Uncertain significance. Last evaluated: 2025-01-27. Review status: criteria provided, single submitter. Criteria: LabCorp Variant Classification Summary - May 2015. Collection method: clinical testing. Allele origin: germline.
Comment: Variant summary: BRCA2 c.8774A>G (p.Gln2925Arg) results in a conservative amino acid change located in the BRCA2, OB2 domain of the encoded protein sequence. Four of five in-silico tools predict a damaging effect of the variant on protein function. The variant allele was found at a frequency of 4e-06 in 250670 control chromosomes. The available data on variant occurrences in the general population are insufficient to allow any conclusion about variant significance. c.8774A>G has been reported in the literature in individuals affected with Hereditary Breast And Ovarian Cancer Syndrome (Abdel-Razeq_2018). These reports do not provide unequivocal conclusions about association of the variant with Hereditary Breast And Ovarian Cancer Syndrome. In addition, an HDR assay has reported the variant to have an intermediate impact on HDR function (Guidugli_2018) while computational assays have reported the variant as likely t be neutral (Hart_2019). The following publications have been ascertained in the context of this evaluation (PMID: 29884841, 29409476, 29394989). ClinVar contains an entry for this variant (Variation ID: 52677). Based on the evidence outlined above, the variant was classified as uncertain significance.

Color Diagnostics, LLC DBA Color Health
Classification: Uncertain significance for Hereditary cancer-predisposing syndrome. Last evaluated: 2024-08-07. Review status: criteria provided, single submitter. Criteria: ACMG Guidelines, 2015. Collection method: clinical testing. Allele origin: germline.
Comment: This missense variant replaces glutamine with arginine at codon 2925 of the BRCA2 protein. Computational prediction suggests that this variant may not impact protein structure and function. A functional study has shown this variant has intermediate impact on homology-directed DNA repair activity (PMID: 29394989). This variant has been reported in two individuals affected with breast cancer (PMID: 29409476). A multifactorial analysis has reported a likelihood ratio for pathogenicity based on personal and family history of 0.192 from log(LR)=-0.716527104 (PMID: 31853058). This variant has been identified in 1/250670 chromosomes in the general population by the Genome Aggregation Database (gnomAD). The available evidence is insufficient to determine the role of this variant in disease conclusively. Therefore, this variant is classified as a Variant of Uncertain Significance.

All of Us Research Program, National Institutes of Health
Classification: Uncertain significance for Breast-ovarian cancer, familial, susceptibility to, 2. Last evaluated: 2023-11-30. Review status: criteria provided, single submitter. Criteria: ACMG Guidelines, 2015. Collection method: clinical testing. Allele origin: germline. Inheritance: Autosomal dominant inheritance. Observed: 1 variant allele, 1 heterozygote.
Comment: This study involves interpretation of variants in research participants for the purpose of population health screening. Participant phenotype was not available at the time of variant classification. Additional details can be found in publication PMID: 35346344, PMCID: PMC8962531

Quest Diagnostics Nichols Institute San Juan Capistrano
Classification: Uncertain significance. Last evaluated: 2023-04-04. Review status: criteria provided, single submitter. Criteria: Quest Diagnostics criteria. Collection method: clinical testing. Allele origin: unknown.
Comment: The frequency of this variant in the general population, 0.000004 (1/250670 chromosomes), is uninformative in assessment of its pathogenicity. In the published literature, the variant has been reported in an individual with breast cancer (PMID: 29409476 (2018)). In addition, experimental studies report this variant has an intermediate effect on BRCA2 homology-directed repair function (PMID: 29394989 (2018), 29884841 (2019)). Analysis of this variant using bioinformatics tools for the prediction of the effect of amino acid changes on protein structure and function yielded conflicting predictions that this variant is benign or damaging. Based on the available information, we are unable to determine the clinical significance of this variant.

GeneDx
Classification: Uncertain significance. Last evaluated: 2021-11-19. Review status: criteria provided, single submitter. Criteria: GeneDx Variant Classification Process June 2021. Collection method: clinical testing. Allele origin: germline. Affected: yes.
Comment: In silico analysis supports that this missense variant does not alter protein structure/function; Not observed at significant frequency in large population cohorts (Lek 2016); Also known as 9002A>G; This variant is associated with the following publications: (PMID: 19043619, 29394989, 29409476, 30675319, 29884841, 12228710)

Breast Cancer Information Core (BIC) (BRCA2)
Classification: Uncertain significance for Breast-ovarian cancer, familial 2. Last evaluated: 2004-02-20. Review status: no assertion criteria provided. Collection method: clinical testing. Allele origin: germline. Affected: yes. Observed: 2 variant alleles. Not counted in ClinVar's aggregate classification.

Literature cited by the submitters: PubMed 29409476 (cited by 4 submitters); PubMed 29394989 (cited by 5 submitters); PubMed 19043619 (cited by Ambry Genetics and Quest Diagnostics Nichols Institute San Juan Capistrano); PubMed 29884841 (cited by 3 submitters); PubMed 31853058 (cited by Color Diagnostics, LLC DBA Color Health).